The following is an entry in ClinVar:

NM_020686.6(ABAT):c.56G>A (p.Arg19His)

Gene: ABAT (4-aminobutyrate aminotransferase; plus strand). Cytogenetic location: 16p13.2.
Variant type: single nucleotide variant.
Coding change: c.56G>A on transcript NM_020686.6 (MANE Select); coding-DNA position 56, G replaced by A.
Protein change: p.Arg19His; replaces arginine 19 with histidine.
Molecular consequence: missense variant. On other transcripts: intron variant (3).
Genome position (GRCh38, 1-based): chr16:8,735,795, G>A. VCF-style: chr16-8735795-G-A. GRCh37 (hg19) VCF-style: chr16-8829652-G-A.
Other names: c.56G>A, p.Arg19His (NM_000663.5, NM_001127448.2, NM_001386600.1 and 13 more transcripts); c.-65-10206G>A (NM_001386611.1, NM_001386612.1, NM_001386613.1); short protein forms R19H.
Identifiers: ClinVar variation 529790 (VCV000529790.10), dbSNP rs780368959, ClinGen allele CA7892921.

ClinVar aggregate classification (germline): Uncertain significance. Review status: criteria provided, multiple submitters, no conflicts (2 of 4 stars). 2 submissions from 2 submitters: Uncertain significance (2). Last evaluated 2026-03-18.

Conditions:
Gamma-aminobutyric acid transaminase deficiency (GABATD). Also called: GABA aminotransaminase deficiency; GABA transaminase deficiency; Gamma aminobutyrate transaminase deficiency; 4 alpha aminobutyrate transaminase deficiency. Identifiers: Orphanet 2066, MedGen C0342708, MONDO:0013166, OMIM 613163.

Allele frequency attached by ClinVar (database versions not stated): TOPMed 0.00002; gnomAD 0.00004 and 0.00005; gnomAD exomes 0.00004 and 0.00006; ExAC 0.00011.
gnomAD v4.1: 64 of 1,603,838 alleles (0.004%); highest among the groups gnomAD compares: South Asian, 0.035%; no homozygotes.

Submissions (2):

GeneDx
Classification: Uncertain significance. Last evaluated: 2026-03-18. Review status: criteria provided, single submitter. Criteria: GeneDx Variant Classification Process June 2021. Collection method: clinical testing. Allele origin: germline.
Comment: In silico analysis suggests that this missense variant does not alter protein structure/function; Has not been previously published as pathogenic or benign to our knowledge

Labcorp Genetics (formerly Invitae), Labcorp
Classification: Uncertain significance for Gamma-aminobutyric acid transaminase deficiency. Last evaluated: 2024-04-29. Review status: criteria provided, single submitter. Criteria: Invitae Variant Classification Sherloc (09022015). Collection method: clinical testing. Allele origin: germline.
Comment: This sequence change replaces arginine, which is basic and polar, with histidine, which is basic and polar, at codon 19 of the ABAT protein (p.Arg19His). This variant is present in population databases (rs780368959, gnomAD 0.02%). This variant has not been reported in the literature in individuals affected with ABAT-related conditions. ClinVar contains an entry for this variant (Variation ID: 529790). Algorithms developed to predict the effect of missense changes on protein structure and function output the following: SIFT: "Not Available"; PolyPhen-2: "Benign"; Align-GVGD: "Not Available". The histidine amino acid residue is found in multiple mammalian species, which suggests that this missense change does not adversely affect protein function. In summary, the available evidence is currently insufficient to determine the role of this variant in disease. Therefore, it has been classified as a Variant of Uncertain Significance.